The following is an entry in ClinVar:

NM_001127671.2(LIFR):c.1302del (p.His434fs)

Gene: LIFR (LIF receptor subunit alpha; minus strand). Cytogenetic location: 5p13.1.
Variant type: Deletion.
Coding change: c.1302del on transcript NM_001127671.2 (MANE Select); coding-DNA position 1302, one base deleted (T; older notation c.1302delT).
Protein change: p.His434fs; shifts the reading frame from histidine 434.
Molecular consequence: frameshift variant.
Genome position (GRCh38, 1-based): chr5:38,504,111, A deleted on the plus strand (T on the coding strand, the reverse complement: LIFR is on the minus strand). VCF-style (leftmost placement, unchanged base first): chr5-38504110-TA-T. GRCh37 (hg19) VCF-style: chr5-38504212-TA-T.
Other names: c.1302del, p.His434fs (NM_001364297.2, NM_001364298.2, NM_002310.6); short protein forms H434fs.
Identifiers: ClinVar variation 1952160 (VCV001952160.5), dbSNP rs2531035684, ClinGen allele CA2580073267.
Genomic context (GRCh38, chr5:38,504,110, plus strand): 5'-AATGCCAAGAAAGTTTAACAGCTGTTGAATTAATATCCTTCACTTTGAATGAAGTAGGAG[TA>T]TGGGGATAAACTGCAAATATAATTTTTAAAGATTAAACACTTATTTAAAGGGAAAAACTA-3'

ClinVar aggregate classification (germline): Pathogenic (1 of 4 stars; one submission).

Submission:

Labcorp Genetics (formerly Invitae), Labcorp
Classification: Pathogenic. Last evaluated: 2022-04-12. Review status: criteria provided, single submitter. Criteria: Invitae Variant Classification Sherloc (09022015). Collection method: clinical testing. Allele origin: germline.
Comment: For these reasons, this variant has been classified as Pathogenic. This variant has not been reported in the literature in individuals affected with LIFR-related conditions. This variant is not present in population databases (gnomAD no frequency). This sequence change creates a premature translational stop signal (p.His434Glnfs*8) in the LIFR gene. It is expected to result in an absent or disrupted protein product. Loss-of-function variants in LIFR are known to be pathogenic (PMID: 14740318).

Literature cited by the submitters: PubMed 14740318.